The following is an entry in ClinVar:

ClinVar aggregate classification (germline): Likely benign. Review status: criteria provided, multiple submitters, no conflicts (2 of 4 stars). 2 submissions from 2 submitters: Likely benign (2). Last evaluated 2026-06-15.

Allele frequency attached by ClinVar (database versions not stated): gnomAD exomes 0.00008; TOPMed 0.00008; ExAC 0.00009; gnomAD 0.00009.
gnomAD v4.1: 129 of 1,613,920 alleles (0.008%); highest among the groups gnomAD compares: Middle Eastern, 0.033%; no homozygotes.

Submissions (2):

Women's Health and Genetics/Laboratory Corporation of America, LabCorp
Classification: Likely benign. Last evaluated: 2026-06-15. Review status: criteria provided, single submitter. Criteria: LabCorp Variant Classification Summary - May 2015. Collection method: clinical testing. Allele origin: germline.

CeGaT Center for Human Genetics Tuebingen
Classification: Likely benign. Last evaluated: 2022-07-01. Review status: criteria provided, single submitter. Criteria: CeGaT Center For Human Genetics Tuebingen Variant Classification Criteria Version 2. Collection method: clinical testing. Allele origin: germline. Affected: yes. Observed: 1 variant allele.
Comment: CIC: BP4, BP7

NM_001386298.1(CIC):c.4347T>C (p.Ala1449=)

Gene: CIC (capicua transcriptional repressor; plus strand). Cytogenetic location: 19q13.2.
Variant type: single nucleotide variant.
Coding change: c.4347T>C on transcript NM_001386298.1 (MANE Select); coding-DNA position 4347, T replaced by C.
Protein change: p.Ala1449=; no amino-acid change (alanine 1449 retained).
Molecular consequence: synonymous variant.
Genome position (GRCh38, 1-based): chr19:42,290,388, T>C. VCF-style: chr19-42290388-T-C. GRCh37 (hg19) VCF-style: chr19-42794540-T-C.
Other names: c.4347T>C, p.Ala1449= (NM_001304815.2, NM_001379480.1, NM_001379482.1 and 1 more transcripts); c.1620T>C, p.Ala540= (NM_001379484.1, NM_001379485.1, NM_015125.5).
Identifiers: ClinVar variation 2649991 (VCV002649991.25), dbSNP rs751301133, ClinGen allele CA9472060.